The following is an entry in ClinVar:

NM_005343.4(HRAS):c.368G>A (p.Arg123His)

Genes: HRAS (HRas proto-oncogene, GTPase; minus strand), LRRC56 (leucine rich repeat containing 56; plus strand). Cytogenetic location: 11p15.5.
Variant type: single nucleotide variant.
Coding change: c.368G>A on transcript NM_005343.4 (MANE Select); coding-DNA position 368, G replaced by A.
Protein change: p.Arg123His; replaces arginine 123 with histidine.
Molecular consequence: missense variant.
Genome position (GRCh38, 1-based): chr11:533,535, C>T on the plus strand (G>A on the coding strand, the complement: HRAS is on the minus strand). VCF-style: chr11-533535-C-T. GRCh37 (hg19) VCF-style: chr11-533535-C-T.
Other names: c.368G>A, p.Arg123His (NM_001130442.3, NM_176795.5); c.49G>A, p.Ala17Thr (NM_001318054.2); short protein forms R123H, A17T.
Identifiers: ClinVar variation 1520643 (VCV001520643.8), dbSNP rs730880464, ClinGen allele CA378923299.

ClinVar aggregate classification (germline): Uncertain significance (1 of 4 stars; one submission).

Conditions:
Costello syndrome (CSTLO). Also called: FACIOCUTANEOSKELETAL SYNDROME; HRAS-Related Costello Syndrome; FCS SYNDROME. Identifiers: Orphanet 3071, MedGen C0587248, MONDO:0009026, OMIM 218040.

gnomAD v4.1: 1 of 1,613,836 alleles (0.000062%); highest among the groups gnomAD compares: Non-Finnish European, 0.000085%; no homozygotes.

Submission:

Labcorp Genetics (formerly Invitae), Labcorp
Classification: Uncertain significance for Costello syndrome. Last evaluated: 2023-01-01. Review status: criteria provided, single submitter. Criteria: Invitae Variant Classification Sherloc (09022015). Collection method: clinical testing. Allele origin: germline.
Comment: This sequence change replaces arginine, which is basic and polar, with histidine, which is basic and polar, at codon 123 of the HRAS protein (p.Arg123His). This variant is not present in population databases (gnomAD no frequency). This variant has not been reported in the literature in individuals affected with HRAS-related conditions. ClinVar contains an entry for this variant (Variation ID: 1520643). Advanced modeling of protein sequence and biophysical properties (such as structural, functional, and spatial information, amino acid conservation, physicochemical variation, residue mobility, and thermodynamic stability) performed at Invitae indicates that this missense variant is expected to disrupt HRAS protein function. In summary, the available evidence is currently insufficient to determine the role of this variant in disease. Therefore, it has been classified as a Variant of Uncertain Significance.